The following is an entry in ClinVar:

NM_001040151.2(SCN3B):c.29T>C (p.Leu10Pro)

Gene: SCN3B (sodium voltage-gated channel beta subunit 3; minus strand). Cytogenetic location: 11q24.1.
Variant type: single nucleotide variant.
Coding change: c.29T>C on transcript NM_001040151.2 (MANE Select); coding-DNA position 29, T replaced by C.
Protein change: p.Leu10Pro; replaces leucine 10 with proline.
Molecular consequence: missense variant.
Genome position (GRCh38, 1-based): chr11:123,653,773, A>G on the plus strand (T>C on the coding strand, the complement: SCN3B is on the minus strand). VCF-style: chr11-123653773-A-G. GRCh37 (hg19) VCF-style: chr11-123524481-A-G.
Other names: p.L10P:CTG>CCG; c.29T>C, p.Leu10Pro (NM_018400.4); short protein forms L10P.
Identifiers: ClinVar variation 2470 (VCV000002470.24), dbSNP rs121918282, ClinGen allele CA163434.
Genomic context (GRCh38, chr11:123,653,773, plus strand): 5'-CCTGCATCCGGCATGGCGAGGTGCTGGTACTTACCCCAGTAGATAAGCACGAGAGAAGCC[A>G]GGGGAAACAATCTATTGAAGGCAGGCATCTTCTGGGGCTGGCGGCTTCCAAGGCTACACA-3'
Protein context (NP_001035241.1, residues 1-20): MPAFNRLFP[Leu10Pro]ASLVLIYWVS

ClinVar aggregate classification (germline): Conflicting classifications of pathogenicity. Review status: criteria provided, conflicting classifications (1 of 4 stars). 11 submissions from 10 submitters: Uncertain significance (5); Likely benign (2). 4 of the submissions do not count toward it. Last evaluated 2025-01-17.

Conditions:
Cardiovascular phenotype. Identifiers: MedGen CN230736.
Atrial fibrillation, familial, 16 (ATFB16). Identifiers: MedGen C4013699, MONDO:0800349.
Brugada syndrome. Also called: Sudden Unexplained Death Syndrome; Sudden unexpected nocturnal death syndrome; Sudden Unexplained Nocturnal Death Syndrome (SUNDS); Sudden unexplained nocturnal death syndrome. Identifiers: Orphanet 130, MedGen C1142166, MONDO:0015263.
Brugada syndrome 7 (BRGDA7). Identifiers: Orphanet 130, MedGen C2751088, MONDO:0013146, OMIM 613120.

Allele frequency attached by ClinVar (database versions not stated): ExAC 0.00017; gnomAD 0.00034 and 0.00036; gnomAD exomes 0.00043 and 0.00020; TOPMed 0.00027.
gnomAD v4.1: 686 of 1,614,104 alleles (0.043%); highest among the groups gnomAD compares: Non-Finnish European, 0.053%; no homozygotes.

Submissions (11):

Labcorp Genetics (formerly Invitae), Labcorp
Classification: Uncertain significance for Brugada syndrome 7. Last evaluated: 2025-01-17. Review status: criteria provided, single submitter. Criteria: Invitae Variant Classification Sherloc (09022015). Collection method: clinical testing. Allele origin: germline.
Comment: This sequence change replaces leucine, which is neutral and non-polar, with proline, which is neutral and non-polar, at codon 10 of the SCN3B protein (p.Leu10Pro). This variant is present in population databases (rs121918282, gnomAD 0.04%), and has an allele count higher than expected for a pathogenic variant. This missense change has been observed in individual(s) with clinical features of SCN3B-related conditions (PMID: 20031595, 21051419, 22284586, 25650408, 25757662, 29247119, 31043699). ClinVar contains an entry for this variant (Variation ID: 2470). An algorithm developed to predict the effect of missense changes on protein structure and function outputs the following: PolyPhen-2: "Benign". The proline amino acid residue is found in multiple mammalian species, which suggests that this missense change does not adversely affect protein function. Experimental studies have shown that this missense change affects SCN3B function (PMID: 20031595, 21051419, 23257389). In summary, the available evidence is currently insufficient to determine the role of this variant in disease. Therefore, it has been classified as a Variant of Uncertain Significance.

Blueprint Genetics
Classification: Likely benign. Last evaluated: 2024-11-26. Review status: criteria provided, single submitter. Criteria: ACMG Guidelines, 2015. Collection method: clinical testing. Allele origin: germline.

GeneDx
Classification: Uncertain significance. Last evaluated: 2024-11-19. Review status: criteria provided, single submitter. Criteria: GeneDx Variant Classification Process June 2021. Collection method: clinical testing. Allele origin: germline. Affected: yes.
Comment: Identified in patients with arrhythmia referred for genetic testing at GeneDx and reported in association with Brugada syndrome, atrial fibrillation, prolonged QT interval, and sudden unexplained infant death syndrome in published literature (PMID: 20031595, 21051419, 25650408, 25757662, 25691686, 23861362); In silico analysis indicates that this missense variant does not alter protein structure/function; Variants in candidate genes are classified as variants of uncertain significance in accordance with ACMG guidelines (PMID: 25741868); This variant is associated with the following publications: (PMID: 24667784, 22284586, 25757662, 23414114, 24055113, 24144883, 26728597, 25668026, 25650408, 21051419, 25691686, 20558140, 36362949, 34572065, 35083300, 31961030, 35385795, 35456365, LauK2016[Abstract], 32684122, 36354758, 34495297, 20031595, 23257389, 34867379, 30821013, 31019283, 31043699, 29247119, 38450374, 23861362)

Ambry Genetics
Classification: Likely benign for Cardiovascular phenotype. Last evaluated: 2022-07-28. Review status: criteria provided, single submitter. Criteria: Ambry Variant Classification Scheme 2023. Collection method: clinical testing. Allele origin: germline.

AiLife Diagnostics
Classification: Uncertain significance. Last evaluated: 2021-06-28. Review status: criteria provided, single submitter. Criteria: ACMG Guidelines, 2015. Collection method: clinical testing. Allele origin: germline. Affected: yes. Observed: 1 variant allele.

Biesecker Lab/Clinical Genomics Section, National Institutes of Health
Classification: Uncertain significance for Brugada syndrome. Last evaluated: 2018-04-05. Review status: criteria provided, single submitter. Criteria: ACMG Guidelines, 2015. Collection method: research. Allele origin: unknown. Affected: no. Observed: 1 variant allele.
Comment: The study set was not selected for affection status in relation to arrhythmia or cardiomyopathy. Pathogenicity categories were based on literature curation. See Pubmed ID:25741868 for details.

Medical sequencing

Laboratory for Molecular Medicine, Mass General Brigham Personalized Medicine
Classification: Uncertain significance. Last evaluated: 2015-01-23. Review status: criteria provided, single submitter. Criteria: LMM Criteria. Collection method: clinical testing. Allele origin: germline. Observed: 1 variant allele.
Comment: Variant classified as Uncertain Significance - Favor Benign. The p.Leu10Pro vari ant in SCN3B has been reported in 1 individual with Brugada syndrome and 1 indiv idual with atrial fibrillation (Hu 2009, Olesen 2011, Olesen 2014). In addition, this variant has been identified in 19/66726 of European chromosomes by the Exo me Aggregation Consortium (ExAC; dbSNP 12191828 2). In vitro functional studies provide some evidence that this variant may impa ct protein function (Hu 2009, Olesen 201), though these types of assays may not accurately represent biological function. Leucine (Leu) at position 10 is not co nserved in mammals with 3 mammals (gibbon, hedgehog, and shrew) carrying a proli ne (Pro) at this position, raising the possibility that this change may be toler ated. In summary, although the clinical significance of the p.Leu10Pro variant is uncertain it is less likely disease causing.

GeneReviews
No classification provided. Condition: Brugada syndrome 7. Review status: no classification provided. Collection method: literature only. Allele origin: germline. Affected: yes. Not counted in ClinVar's aggregate classification.

Equipe Genetique des Anomalies du Developpement, Université de Bourgogne
Classification: Likely pathogenic for Brugada syndrome 7. Last evaluated: 2018-11-21. Review status: flagged submission. Criteria: ACMG Guidelines, 2015. Collection method: clinical testing. Allele origin: unknown. Not counted in ClinVar's aggregate classification.
ClinVar note: Reason: Outlier claim with insufficient supporting evidence

OMIM
Classification: Pathogenic for BRUGADA SYNDROME 7. Last evaluated: 2011-03-01. Review status: flagged submission. Collection method: literature only. Allele origin: germline. Not counted in ClinVar's aggregate classification.
ClinVar note: Reason: Outlier claim with insufficient supporting evidence

OMIM
Classification: Pathogenic for ATRIAL FIBRILLATION 16. Last evaluated: 2011-03-01. Review status: flagged submission. Collection method: literature only. Allele origin: germline. Not counted in ClinVar's aggregate classification.
ClinVar note: Reason: Outlier claim with insufficient supporting evidence

Literature cited by the submitters: PubMed 20031595 (cited by 5 submitters); PubMed 21051419 (cited by 5 submitters); PubMed 22284586 (cited by 3 submitters); PubMed 25650408 (cited by 3 submitters); PubMed 25757662 (cited by Labcorp Genetics (formerly Invitae), Labcorp and Ambry Genetics); PubMed 29247119 (cited by 3 submitters); PubMed 31043699 (cited by 3 submitters); PubMed 23257389 (cited by Labcorp Genetics (formerly Invitae), Labcorp and Ambry Genetics); PubMed 23861362 (cited by Ambry Genetics); PubMed 24055113 (cited by Ambry Genetics and AiLife Diagnostics); PubMed 24144883 (cited by 3 submitters); PubMed 30821013 (cited by Ambry Genetics and AiLife Diagnostics); PubMed 31019283 (cited by Ambry Genetics and AiLife Diagnostics); PubMed 23414114 (cited by AiLife Diagnostics); NCBI Bookshelf NBK1517 (cited by GeneReviews).